The following is an entry in ClinVar:

ClinVar aggregate classification (germline): Uncertain significance (1 of 4 stars; one submission).

Submission:

GeneDx
Classification: Uncertain significance. Last evaluated: 2024-09-06. Review status: criteria provided, single submitter. Criteria: GeneDx Variant Classification Process June 2021. Collection method: clinical testing. Allele origin: germline. Affected: yes.
Comment: Not observed at significant frequency in large population cohorts (gnomAD); Nonsense variant predicted to result in protein truncation or nonsense mediated decay in a gene or region of a gene for which loss of function is not a well-established mechanism of disease; Has not been previously published as pathogenic or benign to our knowledge

NM_003718.5(CDK13):c.2790T>A (p.Cys930Ter)

Gene: CDK13 (cyclin dependent kinase 13; plus strand). Cytogenetic location: 7p14.1.
Variant type: single nucleotide variant.
Coding change: c.2790T>A on transcript NM_003718.5 (MANE Select); coding-DNA position 2790, T replaced by A.
Protein change: p.Cys930Ter; replaces cysteine 930 with a stop codon.
Molecular consequence: nonsense.
Genome position (GRCh38, 1-based): chr7:40,078,014, T>A. VCF-style: chr7-40078014-T-A. GRCh37 (hg19) VCF-style: chr7-40117613-T-A.
Other names: c.2790T>A, p.Cys930Ter (NM_031267.4); short protein forms C930*.
Identifiers: ClinVar variation 3767845 (VCV003767845.1).